The following is an entry in ClinVar:

ClinVar aggregate classification (germline): Uncertain significance (1 of 4 stars; one submission).

Conditions:
Neuromuscular disease caused by qualitative or quantitative defects of dysferlin. Also called: Qualitative or quantitative defects of dysferlin; Dysferlinopathy. Identifiers: Orphanet 207073, MedGen C2931687, MONDO:0016145.

Allele frequency attached by ClinVar (database versions not stated): gnomAD exomes 0.00002; ExAC 0.00005.
gnomAD v4.1: 39 of 1,614,046 alleles (0.0024%); highest among the groups gnomAD compares: Admixed American, 0.0083%; no homozygotes.

Submission:

Labcorp Genetics (formerly Invitae), Labcorp
Classification: Uncertain significance for Neuromuscular disease caused by qualitative or quantitative defects of dysferlin. Last evaluated: 2022-04-08. Review status: criteria provided, single submitter. Criteria: Invitae Variant Classification Sherloc (09022015). Collection method: clinical testing. Allele origin: germline.
Comment: This sequence change replaces serine, which is neutral and polar, with asparagine, which is neutral and polar, at codon 259 of the DYSF protein (p.Ser259Asn). This variant is present in population databases (rs753961032, gnomAD 0.009%). This variant has not been reported in the literature in individuals affected with DYSF-related conditions. Advanced modeling of protein sequence and biophysical properties (such as structural, functional, and spatial information, amino acid conservation, physicochemical variation, residue mobility, and thermodynamic stability) performed at Invitae indicates that this missense variant is not expected to disrupt DYSF protein function. In summary, the available evidence is currently insufficient to determine the role of this variant in disease. Therefore, it has been classified as a Variant of Uncertain Significance.

NM_001130987.2(DYSF):c.872G>A (p.Ser291Asn)

Gene: DYSF (dysferlin; plus strand). Cytogenetic location: 2p13.2.
Variant type: single nucleotide variant.
Coding change: c.872G>A on transcript NM_001130987.2 (MANE Select); coding-DNA position 872, G replaced by A.
Protein change: p.Ser291Asn; replaces serine 291 with asparagine.
Molecular consequence: missense variant.
Genome position (GRCh38, 1-based): chr2:71,515,735, G>A. VCF-style: chr2-71515735-G-A. GRCh37 (hg19) VCF-style: chr2-71742865-G-A.
Other names: c.779G>A, p.Ser260Asn (NM_001130455.2, NM_001130983.2, NM_001130984.2 and 1 more transcripts); c.776G>A, p.Ser259Asn (NM_001130976.2, NM_001130977.2, NM_001130978.2 and 1 more transcripts); c.869G>A, p.Ser290Asn (NM_001130979.2, NM_001130980.2, NM_001130981.2); c.872G>A, p.Ser291Asn (NM_001130982.2, NM_001130985.2); short protein forms S259N, S260N, S291N, S290N.
Identifiers: ClinVar variation 2073800 (VCV002073800.1), dbSNP rs753961032, ClinGen allele CA1705485.